The following is an entry in ClinVar:

NM_000064.4(C3):c.4336A>T (p.Ile1446Phe)

Gene: C3 (complement C3; minus strand). Cytogenetic location: 19p13.3.
Variant type: single nucleotide variant.
Coding change: c.4336A>T on transcript NM_000064.4 (MANE Select); coding-DNA position 4336, A replaced by T.
Protein change: p.Ile1446Phe; replaces isoleucine 1446 with phenylalanine.
Molecular consequence: missense variant.
Genome position (GRCh38, 1-based): chr19:6,681,955, T>A on the plus strand (A>T on the coding strand, the complement: C3 is on the minus strand). VCF-style: chr19-6681955-T-A. GRCh37 (hg19) VCF-style: chr19-6681966-T-A.
Other names: short protein forms I1446F.
Identifiers: ClinVar variation 3658307 (VCV003658307.2).

ClinVar aggregate classification (germline): Uncertain significance (1 of 4 stars; one submission).

gnomAD v4.1: 3 of 1,613,780 alleles (0.00019%); highest among the groups gnomAD compares: Non-Finnish European, 0.00025%; no homozygotes.

Submission:

Labcorp Genetics (formerly Invitae), Labcorp
Classification: Uncertain significance. Last evaluated: 2024-07-12. Review status: criteria provided, single submitter. Criteria: Invitae Variant Classification Sherloc (09022015). Collection method: clinical testing. Allele origin: germline.
Comment: This sequence change replaces isoleucine, which is neutral and non-polar, with phenylalanine, which is neutral and non-polar, at codon 1446 of the C3 protein (p.Ile1446Phe). This variant is not present in population databases (gnomAD no frequency). This variant has not been reported in the literature in individuals affected with C3-related conditions. Advanced modeling of protein sequence and biophysical properties (such as structural, functional, and spatial information, amino acid conservation, physicochemical variation, residue mobility, and thermodynamic stability) performed at Invitae indicates that this missense variant is not expected to disrupt C3 protein function with a negative predictive value of 80%. In summary, the available evidence is currently insufficient to determine the role of this variant in disease. Therefore, it has been classified as a Variant of Uncertain Significance.